The following is an entry in ClinVar:

NM_001928.4(CFD):c.281T>A (p.Leu94Gln)

Gene: CFD (complement factor D; plus strand). Cytogenetic location: 19p13.3.
Variant type: single nucleotide variant.
Coding change: c.281T>A on transcript NM_001928.4 (MANE Select); coding-DNA position 281, T replaced by A.
Protein change: p.Leu94Gln; replaces leucine 94 with glutamine.
Molecular consequence: missense variant.
Genome position (GRCh38, 1-based): chr19:860,929, T>A. VCF-style: chr19-860929-T-A. GRCh37 (hg19) VCF-style: chr19-860929-T-A.
Other names: c.302T>A, p.Leu101Gln (NM_001317335.2); short protein forms L94Q, L101Q.
Identifiers: ClinVar variation 1507798 (VCV001507798.6), dbSNP rs1198090093, ClinGen allele CA402921110.
Genomic context (GRCh38, chr19:860,929, plus strand): 5'-GGAAGGTGCAGGTTCTCCTGGGCGCGCACTCCCTGTCGCAGCCGGAGCCCTCCAAGCGCC[T>A]GTACGACGTGCTCCGCGCAGTGCCCCACCCGGACAGCCAGCCCGACACCATCGACCACGA-3'
Protein context (NP_001919.2, residues 84-104): SLSQPEPSKR[Leu94Gln]YDVLRAVPHP

ClinVar aggregate classification (germline): Uncertain significance (1 of 4 stars; one submission).

gnomAD v4.1: 5 of 1,600,898 alleles (0.00031%); highest among the groups gnomAD compares: South Asian, 0.0033%; no homozygotes.

Submission:

Labcorp Genetics (formerly Invitae), Labcorp
Classification: Uncertain significance. Last evaluated: 2025-04-14. Review status: criteria provided, single submitter. Criteria: Invitae Variant Classification Sherloc (09022015). Collection method: clinical testing. Allele origin: germline.
Comment: This sequence change replaces leucine, which is neutral and non-polar, with glutamine, which is neutral and polar, at codon 94 of the CFD protein (p.Leu94Gln). This variant is not present in population databases (gnomAD no frequency). This variant has not been reported in the literature in individuals affected with CFD-related conditions. ClinVar contains an entry for this variant (Variation ID: 1507798). An algorithm developed to predict the effect of missense changes on protein structure and function (PolyPhen-2) suggests that this variant is likely to be disruptive. In summary, the available evidence is currently insufficient to determine the role of this variant in disease. Therefore, it has been classified as a Variant of Uncertain Significance.